The following is an entry in ClinVar:

NM_000548.5(TSC2):c.4654G>A (p.Glu1552Lys)

Gene: TSC2 (TSC complex subunit 2; plus strand). Cytogenetic location: 16p13.3.
Variant type: single nucleotide variant.
Coding change: c.4654G>A on transcript NM_000548.5 (MANE Select); coding-DNA position 4654, G replaced by A.
Protein change: p.Glu1552Lys; replaces glutamic acid 1552 with lysine.
Molecular consequence: missense variant. On other transcripts: non-coding transcript variant (5).
Genome position (GRCh38, 1-based): chr16:2,085,314, G>A. VCF-style: chr16-2085314-G-A. GRCh37 (hg19) VCF-style: chr16-2135315-G-A.
Other names: c.4345G>A, p.Glu1449Lys (NM_001318827.2); c.4309G>A, p.Glu1437Lys (NM_001318829.2); c.3922G>A, p.Glu1308Lys (NM_001318831.2); c.4486G>A, p.Glu1496Lys (NM_001318832.2); c.4456G>A, p.Glu1486Lys (NM_001363528.2); c.4522G>A, p.Glu1508Lys (NM_001370404.1); c.4525G>A, p.Glu1509Lys (NM_001370405.1, NM_021055.3); c.4651G>A, p.Glu1551Lys (NM_001406663.1); and 26 more; short protein forms E1037K, E1038K, E1352K, E1437K, E1449K, E1508K, E1516K, E1552K.
Identifiers: ClinVar variation 3637243 (VCV003637243.3).

ClinVar aggregate classification (germline): Conflicting classifications of pathogenicity. Review status: criteria provided, conflicting classifications (1 of 4 stars). 2 submissions from 2 submitters: Uncertain significance (1); Benign (1). Last evaluated 2025-05-31.

Conditions:
Tuberous sclerosis 2 (TSC2). Identifiers: Orphanet 805, MedGen C1860707, MONDO:0013199, OMIM 613254.
Hereditary cancer-predisposing syndrome. Also called: Hereditary Cancer Syndrome; Hereditary neoplastic syndrome; Neoplastic Syndromes, Hereditary; Tumor predisposition. Identifiers: Orphanet 140162, MedGen C0027672, MeSH D009386, MONDO:0015356.

gnomAD v4.1: 1 of 1,612,710 alleles (0.000062%); highest among the groups gnomAD compares: Non-Finnish European, 0.000085%; no homozygotes.

Submissions (2):

Ambry Genetics
Classification: Uncertain significance for Hereditary cancer-predisposing syndrome. Last evaluated: 2025-05-31. Review status: criteria provided, single submitter. Criteria: Ambry Variant Classification Scheme 2023. Collection method: clinical testing. Allele origin: germline.
Comment: The p.E1552K variant (also known as c.4654G>A), located in coding exon 35 of the TSC2 gene, results from a G to A substitution at nucleotide position 4654. The glutamic acid at codon 1552 is replaced by lysine, an amino acid with similar properties. This amino acid position is conserved. In addition, this alteration is predicted to be deleterious by in silico analysis. Based on the available evidence, the clinical significance of this variant remains unclear.

Labcorp Genetics (formerly Invitae), Labcorp
Classification: Benign for Tuberous sclerosis 2. Last evaluated: 2024-03-27. Review status: criteria provided, single submitter. Criteria: Invitae Variant Classification Sherloc (09022015). Collection method: clinical testing. Allele origin: germline.